The following is an entry in ClinVar:

NM_003079.5(SMARCE1):c.493del (p.Glu165fs)

Gene: SMARCE1 (SWI/SNF related BAF chromatin remodeling complex subunit E1; minus strand). Cytogenetic location: 17q21.2.
Variant type: Deletion.
Coding change: c.493del on transcript NM_003079.5 (MANE Select); coding-DNA position 493, one base deleted (G; older notation c.493delG).
Protein change: p.Glu165fs; shifts the reading frame from glutamic acid 165.
Molecular consequence: frameshift variant.
Genome position (GRCh38, 1-based): chr17:40,635,979, C deleted on the plus strand (G on the coding strand, the reverse complement: SMARCE1 is on the minus strand); the first of 2 consecutive C bases (chr17:40,635,979-40,635,980); deleting either gives the same sequence. VCF-style (leftmost placement, unchanged base first): chr17-40635978-TC-T. GRCh37 (hg19) VCF-style: chr17-38792230-TC-T.
Other names: c.493delG (NM_003079.4); short protein forms E165fs.
Identifiers: ClinVar variation 4864877 (VCV004864877.1).

ClinVar aggregate classification (germline): Pathogenic (1 of 4 stars; one submission).

Conditions:
Hereditary cancer-predisposing syndrome. Also called: Neoplastic Syndromes, Hereditary; Tumor predisposition; Hereditary Cancer Syndrome; Hereditary neoplastic syndrome. Identifiers: Orphanet 140162, MedGen C0027672, MeSH D009386, MONDO:0015356.

Submission:

Ambry Genetics
Classification: Pathogenic for Hereditary cancer-predisposing syndrome. Last evaluated: 2026-05-28. Review status: criteria provided, single submitter. Criteria: Ambry Variant Classification Scheme 2023. Collection method: clinical testing. Allele origin: germline.
Comment: The c.493delG pathogenic mutation, located in coding exon 6 of the SMARCE1 gene, results from a deletion of one nucleotide at nucleotide position 493, causing a translational frameshift with a predicted alternate stop codon (p.E165Rfs*7). This variant is considered to be rare based on population cohorts in the Genome Aggregation Database (gnomAD). This alteration is expected to result in loss of function by premature protein truncation or nonsense-mediated mRNA decay. Loss-of-function variants in SMARCE1 are known to cause increased risk of meningiomas; however, such associations with neurodevelopmental disorders are exceedingly rare (Kosho T et al. Am J Med Genet C Semin Med Genet. 2014 Sep;166C(3):262-75; Smith JM et al. Nat Genet. 2013 Mar;45(3):295-8). Based on the supporting evidence, this variant is pathogenic for an increased risk of meningiomas; however, the association of this variant with Coffin-Siris syndrome is unlikely.